The following is an entry in ClinVar:

NM_005530.3(IDH3A):c.947G>A (p.Arg316His)

Gene: IDH3A (isocitrate dehydrogenase (NAD(+)) 3 catalytic subunit alpha; plus strand). Cytogenetic location: 15q25.1.
Variant type: single nucleotide variant.
Coding change: c.947G>A on transcript NM_005530.3 (MANE Select); coding-DNA position 947, G replaced by A.
Protein change: p.Arg316His; replaces arginine 316 with histidine.
Molecular consequence: missense variant.
Genome position (GRCh38, 1-based): chr15:78,166,232, G>A. VCF-style: chr15-78166232-G-A. GRCh37 (hg19) VCF-style: chr15-78458574-G-A.
Other names: short protein forms R316H.
Identifiers: ClinVar variation 1041805 (VCV001041805.6), dbSNP rs762865075, ClinGen allele CA7680727.
Genomic context (GRCh38, chr15:78,166,232, plus strand): 5'-TTGCAGGCAAGGACATGGCGAATCCCACAGCCCTCCTGCTCAGTGCCGTGATGATGCTGC[G>A]CCACATGGGACTTTTTGACCATGCTGCAAGAATTGAGGCTGCGTGTTTTGCTACAATTAA-3'
Protein context (NP_005521.1, residues 306-326): ALLLSAVMML[Arg316His]HMGLFDHAAR

ClinVar aggregate classification (germline): Uncertain significance (1 of 4 stars; one submission).

Allele frequency attached by ClinVar (database versions not stated): ExAC 0.00001; gnomAD exomes 0.00001; TOPMed 0.00001.
gnomAD v4.1: 17 of 1,614,152 alleles (0.0011%); highest among the groups gnomAD compares: East Asian, 0.0022%; no homozygotes.

Submission:

Labcorp Genetics (formerly Invitae), Labcorp
Classification: Uncertain significance. Last evaluated: 2022-09-06. Review status: criteria provided, single submitter. Criteria: Invitae Variant Classification Sherloc (09022015). Collection method: clinical testing. Allele origin: germline.
Comment: This sequence change replaces arginine, which is basic and polar, with histidine, which is basic and polar, at codon 316 of the IDH3A protein (p.Arg316His). This variant is present in population databases (rs762865075, gnomAD 0.006%). This variant has not been reported in the literature in individuals affected with IDH3A-related conditions. ClinVar contains an entry for this variant (Variation ID: 1041805). Algorithms developed to predict the effect of missense changes on protein structure and function are either unavailable or do not agree on the potential impact of this missense change (SIFT: "Deleterious"; PolyPhen-2: "Benign"; Align-GVGD: "Class C0"). In summary, the available evidence is currently insufficient to determine the role of this variant in disease. Therefore, it has been classified as a Variant of Uncertain Significance.